The following is an entry in ClinVar:

NM_003285.3(TNR):c.72C>T (p.Ser24=)

Gene: TNR (tenascin R; minus strand). Cytogenetic location: 1q25.1.
Variant type: single nucleotide variant.
Coding change: c.72C>T on transcript NM_003285.3 (MANE Select); coding-DNA position 72, C replaced by T.
Protein change: p.Ser24=; no amino-acid change (serine 24 retained).
Molecular consequence: synonymous variant. On other transcripts: 5 prime UTR variant (1).
Genome position (GRCh38, 1-based): chr1:175,406,643, G>A on the plus strand (C>T on the coding strand, the complement: TNR is on the minus strand). VCF-style: chr1-175406643-G-A. GRCh37 (hg19) VCF-style: chr1-175375779-G-A.
Other names: c.-824C>T (NM_001328635.2).
Identifiers: ClinVar variation 787697 (VCV000787697.28), dbSNP rs146677518, ClinGen allele CA1256247.

ClinVar aggregate classification (germline): Benign/Likely benign. Review status: criteria provided, multiple submitters, no conflicts (2 of 4 stars). 2 submissions from 2 submitters: Benign (1); Likely benign (1). Last evaluated 2026-06-01.

Allele frequency attached by ClinVar (database versions not stated): 1000 Genomes Project 30x 0.00047; 1000 Genomes Project 0.00060; TOPMed 0.00135; gnomAD 0.00162 and 0.00170; gnomAD exomes 0.00184 and 0.00251; ExAC 0.00199; ESP Exome Variant Server 0.00238.
gnomAD v4.1: 3,929 of 1,614,222 alleles (0.24%); highest among the groups gnomAD compares: Non-Finnish European, 0.29%; 7 homozygotes.

Submissions (2):

CeGaT Center for Human Genetics Tuebingen
Classification: Likely benign. Last evaluated: 2026-06-01. Review status: criteria provided, single submitter. Criteria: CeGaT Center For Human Genetics Tuebingen Variant Classification Criteria Version 2. Collection method: clinical testing. Allele origin: germline. Affected: yes. Observed: 4 variant alleles.
Comment: TNR: BP4, BP7

Labcorp Genetics (formerly Invitae), Labcorp
Classification: Benign. Last evaluated: 2019-12-31. Review status: criteria provided, single submitter. Criteria: Invitae Variant Classification Sherloc (09022015). Collection method: clinical testing. Allele origin: germline.